The following is an entry in ClinVar:

NM_001166114.2(PNPLA6):c.3464C>T (p.Thr1155Met)

Gene: PNPLA6 (patatin like domain 6, lysophospholipase; plus strand). Cytogenetic location: 19p13.2.
Variant type: single nucleotide variant.
Coding change: c.3464C>T on transcript NM_001166114.2 (MANE Select); coding-DNA position 3464, C replaced by T.
Protein change: p.Thr1155Met; replaces threonine 1155 with methionine.
Molecular consequence: missense variant.
Genome position (GRCh38, 1-based): chr19:7,558,916, C>T. VCF-style: chr19-7558916-C-T. GRCh37 (hg19) VCF-style: chr19-7623802-C-T.
Other names: c.3494C>T, p.Thr1165Met (NM_001166111.2); c.3269C>T, p.Thr1090Met (NM_001166112.2); c.3350C>T, p.Thr1117Met (NM_001166113.1, NM_006702.5); short protein forms T1155M, T1090M, T1117M, T1165M.
Identifiers: ClinVar variation 1430536 (VCV001430536.10), dbSNP rs1404148214, ClinGen allele CA403134698.
Genomic context (GRCh38, chr19:7,558,916, plus strand): 5'-TCGCCCGCAGCATGGGTGCCAAAACGGTCATCGCCATTGACGTGGGGAGCCAGGATGAGA[C>T]GGACCTCAGCACCTACGGGGACAGCCTGTCCGGCTGGTGGCTGCTGTGGAAGCGGCTGAA-3'
Protein context (NP_001159586.1, residues 1145-1165): IAIDVGSQDE[Thr1155Met]DLSTYGDSLS

ClinVar aggregate classification (germline): Uncertain significance. Review status: criteria provided, multiple submitters, no conflicts (2 of 4 stars). 2 submissions from 2 submitters: Uncertain significance (2). Last evaluated 2023-11-27.

Conditions:
Hereditary spastic paraplegia 39 (SPG39). Also called: Spastic Paraplegia Type 39 (SPG39); SPASTIC PARAPLEGIA 39, AUTOSOMAL RECESSIVE. Identifiers: Orphanet 139480, MedGen C2677586, MONDO:0012787, OMIM 612020.

Allele frequency attached by ClinVar (database versions not stated): gnomAD exomes below 0.00001; TOPMed below 0.00001.
gnomAD v4.1: 6 of 1,614,022 alleles (0.00037%); highest among the groups gnomAD compares: South Asian, 0.0011%; no homozygotes.

Submissions (2):

Labcorp Genetics (formerly Invitae), Labcorp
Classification: Uncertain significance for Hereditary spastic paraplegia 39. Last evaluated: 2023-11-27. Review status: criteria provided, single submitter. Criteria: Invitae Variant Classification Sherloc (09022015). Collection method: clinical testing. Allele origin: germline.
Comment: This sequence change replaces threonine, which is neutral and polar, with methionine, which is neutral and non-polar, at codon 1117 of the PNPLA6 protein (p.Thr1117Met). This variant is present in population databases (no rsID available, gnomAD 0.003%). This missense change has been observed in individual(s) with hereditary spastic paraplegia (PMID: 34816117). ClinVar contains an entry for this variant (Variation ID: 1430536). Advanced modeling of protein sequence and biophysical properties (such as structural, functional, and spatial information, amino acid conservation, physicochemical variation, residue mobility, and thermodynamic stability) performed at Invitae indicates that this missense variant is expected to disrupt PNPLA6 protein function with a positive predictive value of 80%. In summary, the available evidence is currently insufficient to determine the role of this variant in disease. Therefore, it has been classified as a Variant of Uncertain Significance.

Blueprint Genetics
Classification: Uncertain significance. Last evaluated: 2018-08-02. Review status: criteria provided, single submitter. Criteria: ACMG Guidelines, 2015. Collection method: clinical testing. Allele origin: germline.

Literature cited by the submitters: PubMed 34816117 (cited by Labcorp Genetics (formerly Invitae), Labcorp).